The following is an entry in ClinVar:

ClinVar aggregate classification (germline): Uncertain significance (1 of 4 stars; one submission).

Submission:

GeneDx
Classification: Uncertain significance. Last evaluated: 2020-08-18. Review status: criteria provided, single submitter. Criteria: GeneDx Variant Classification Process June 2021. Collection method: clinical testing. Allele origin: germline. Affected: yes.
Comment: Has not been previously published as pathogenic or benign to our knowledge; Not observed in large population cohorts (Lek et al., 2016); In silico analysis, which includes protein predictors and evolutionary conservation, supports a deleterious effect

NM_001458.5(FLNC):c.395G>A (p.Gly132Asp)

Gene: FLNC (filamin C; plus strand). Cytogenetic location: 7q32.1.
Variant type: single nucleotide variant.
Coding change: c.395G>A on transcript NM_001458.5 (MANE Select); coding-DNA position 395, G replaced by A.
Protein change: p.Gly132Asp; replaces glycine 132 with aspartic acid.
Molecular consequence: missense variant.
Genome position (GRCh38, 1-based): chr7:128,835,368, G>A. VCF-style: chr7-128835368-G-A. GRCh37 (hg19) VCF-style: chr7-128475422-G-A.
Other names: c.395G>A, p.Gly132Asp (NM_001127487.2); short protein forms G132D.
Identifiers: ClinVar variation 1312324 (VCV001312324.2), dbSNP rs2128933614, ClinGen allele CA369218763.
Genomic context (GRCh38, chr7:128,835,368, plus strand): 5'-GTGCCCTCCCCTCTGCAGACAGCAAGGCCATCGTGGATGGGAACCTGAAGCTGATCCTGG[G>A]CCTGATCTGGACGCTGATCCTGCACTACTCCATCTCCATGCCCATGTGGGAGGATGAAGA-3'
Protein context (NP_001449.3, residues 122-142): IVDGNLKLIL[Gly132Asp]LIWTLILHYS